The following is an entry in ClinVar:

NM_001276345.2(TNNT2):c.136G>C (p.Ala46Pro)

Gene: TNNT2 (troponin T2, cardiac type; minus strand). Cytogenetic location: 1q32.1.
Variant type: single nucleotide variant.
Coding change: c.136G>C on transcript NM_001276345.2 (MANE Select); coding-DNA position 136, G replaced by C.
Protein change: p.Ala46Pro; replaces alanine 46 with proline.
Molecular consequence: missense variant.
Genome position (GRCh38, 1-based): chr1:201,368,189, C>G on the plus strand (G>C on the coding strand, the complement: TNNT2 is on the minus strand). VCF-style: chr1-201368189-C-G. GRCh37 (hg19) VCF-style: chr1-201337317-C-G.
Other names: c.136G>C, p.Ala46Pro (NM_000364.4, NM_001276346.2); c.106G>C, p.Ala36Pro (NM_001001430.3, NM_001001431.3, NM_001276347.2); c.91G>C, p.Ala31Pro (NM_001001432.3); short protein forms A36P, A46P, A31P.
Identifiers: ClinVar variation 43612 (VCV000043612.23), dbSNP rs397516447, ClinGen allele CA004083.
Genomic context (GRCh38, chr1:201,368,189, plus strand): 5'-CTGAGGCCCCTGCACCCTCAACCAGAGACTTACCTTCTGCCCTGGTCTCCTCGGTCTCAG[C>G]CTCTGCTTCAGCATCCTCTTCCGCTGCCTCCTCCTGCTCTGGAGAAGTGAAGCAGACAGA-3'
Protein context (NP_001263274.1, residues 36-56): EAAEEDAEAE[Ala46Pro]ETEETRAEED

ClinVar aggregate classification (germline): Conflicting classifications of pathogenicity. Review status: criteria provided, conflicting classifications (1 of 4 stars). 11 submissions from 9 submitters: Uncertain significance (9); Likely benign (2). Last evaluated 2024-09-02.

Conditions:
Cardiovascular phenotype. Identifiers: MedGen CN230736.
Hypertrophic cardiomyopathy 2. Also called: TNNT2-Related Familial Hypertrophic Cardiomyopathy. Identifiers: MedGen C1861864, MONDO:0007266, OMIM 115195.
Dilated cardiomyopathy 1D. Identifiers: Orphanet 154, Orphanet 54260, MedGen C1832243, MONDO:0011095, OMIM 601494.
Cardiomyopathy, familial restrictive, 3. Identifiers: Orphanet 75249, MedGen C2676271, MONDO:0012900, OMIM 612422.
Cardiomyopathy (CMYO). Also called: Cardiomyopathies. Identifiers: Orphanet 167848, MedGen C0878544, MONDO:0004994, HP:0001638. Inheritance: Various modes of inheritance.

Allele frequency attached by ClinVar (database versions not stated): gnomAD 0.00001 and 0.00004; gnomAD exomes 0.00001 and 0.00003; TOPMed 0.00001; ExAC 0.00005.
gnomAD v4.1: 28 of 1,614,042 alleles (0.0017%); highest among the groups gnomAD compares: South Asian, 0.026%; no homozygotes.

Submissions (11):

Blueprint Genetics
Classification: Likely benign. Last evaluated: 2024-09-02. Review status: criteria provided, single submitter. Criteria: ACMG Guidelines, 2015. Collection method: clinical testing. Allele origin: germline.

Genome-Nilou Lab
Classification: Uncertain significance for Dilated cardiomyopathy 1D. Last evaluated: 2023-11-04. Review status: criteria provided, single submitter. Criteria: ACMG Guidelines, 2015. Collection method: clinical testing. Allele origin: germline. Affected: no.

Genome-Nilou Lab
Classification: Uncertain significance for Cardiomyopathy, familial restrictive, 3. Last evaluated: 2023-11-04. Review status: criteria provided, single submitter. Criteria: ACMG Guidelines, 2015. Collection method: clinical testing. Allele origin: germline. Affected: no.

Genome-Nilou Lab
Classification: Uncertain significance for Hypertrophic cardiomyopathy 2. Last evaluated: 2023-11-04. Review status: criteria provided, single submitter. Criteria: ACMG Guidelines, 2015. Collection method: clinical testing. Allele origin: germline. Affected: no.

Ambry Genetics
Classification: Likely benign for Cardiovascular phenotype. Last evaluated: 2023-11-03. Review status: criteria provided, single submitter. Criteria: Ambry Variant Classification Scheme 2023. Collection method: clinical testing. Allele origin: germline.

All of Us Research Program, National Institutes of Health
Classification: Uncertain significance for Cardiomyopathy. Last evaluated: 2023-11-02. Review status: criteria provided, single submitter. Criteria: ACMG Guidelines, 2015. Collection method: clinical testing. Allele origin: germline. Inheritance: Autosomal dominant inheritance. Observed: 2 variant alleles, 2 heterozygotes.
Comment: This missense variant replaces alanine with proline at codon 36 of the TNNT2 protein. Computational prediction suggests that this variant may not impact protein structure and function (internally defined REVEL score threshold <= 0.5, PMID: 27666373). A functional study showed similar transcript expression as WT controls (PMID: 33025817). This variant has been reported in an individual affected with hypertrophic cardiomyopathy (PMID: 27532257). This variant has been identified in 8/251454 chromosomes in the general population by the Genome Aggregation Database (gnomAD). The available evidence is insufficient to determine the role of this variant in disease conclusively. Therefore, this variant is classified as a Variant of Uncertain Significance.

This study involves interpretation of variants in research participants for the purpose of population health screening. Participant phenotype was not available at the time of variant classification. Additional details can be found in publication PMID: 35346344, PMCID: PMC8962531

GeneDx
Classification: Uncertain significance. Last evaluated: 2023-03-13. Review status: criteria provided, single submitter. Criteria: GeneDx Variant Classification Process June 2021. Collection method: clinical testing. Allele origin: germline. Affected: yes.
Comment: Identified in a patient with hypertrophic cardiomyopathy (HCM) in published literature (Walsh et al., 2017); In silico analysis supports that this missense variant does not alter protein structure/function; Published functional studies suggest normal protein function (Pettinato et al., 2020); This variant is associated with the following publications: (PMID: 30645170, 30565988, 33025817, 27532257)

Labcorp Genetics (formerly Invitae), Labcorp
Classification: Uncertain significance for Cardiomyopathy, familial restrictive, 3; Hypertrophic cardiomyopathy 2; Dilated cardiomyopathy 1D. Last evaluated: 2022-07-08. Review status: criteria provided, single submitter. Criteria: Invitae Variant Classification Sherloc (09022015). Collection method: clinical testing. Allele origin: germline.
Comment: This sequence change replaces alanine, which is neutral and non-polar, with proline, which is neutral and non-polar, at codon 36 of the TNNT2 protein (p.Ala36Pro). This variant is present in population databases (rs397516447, gnomAD 0.03%). This missense change has been observed in individual(s) with hypertrophic cardiomyopathy (PMID: 27532257). This variant is also known as A46P. ClinVar contains an entry for this variant (Variation ID: 43612). Algorithms developed to predict the effect of missense changes on protein structure and function are either unavailable or do not agree on the potential impact of this missense change (SIFT: "Tolerated"; PolyPhen-2: "Not Available"; Align-GVGD: "Class C0"). Experimental studies are conflicting or provide insufficient evidence to determine the effect of this variant on TNNT2 function (PMID: 30565988, 33025817). In summary, the available evidence is currently insufficient to determine the role of this variant in disease. Therefore, it has been classified as a Variant of Uncertain Significance.

New York Genome Center
Classification: Uncertain significance for Cardiomyopathy, familial restrictive, 3; Hypertrophic cardiomyopathy 2; Dilated cardiomyopathy 1D. Last evaluated: 2021-08-20. Review status: criteria provided, single submitter. Criteria: NYGC Assertion Criteria 2020. Collection method: clinical testing. Allele origin: germline. Observed: 1 heterozygote.
Comment: The c.136G>C (p.Ala46Pro) variant identified in the TNNT2 gene substitutes a moderately conserved Alanine for Proline at amino acid 46/299 (exon6/17). This variant is found with low frequency in gnomAD(v3.1.1) (6 heterozygotes, 0 homozygotes; allele frequency:3.94e-5) suggesting it is not a common benign variant in the populations represented in that database. In silico algorithms predict this variant to be Tolerated (SIFT; score:0.298) and Benign (REVEL; score:0.423) to the function of the canonical transcript. This variant is reported as a Variant of Uncertain Significance in ClinVar (VarID:43612) and has been reported in an individual in the literature with Hypertrophic Cardiomyopathy (listed as c.106G>C, p.Ala36Pro as annotated from transcript NM_001001430.2; [Supp Table S1B,PMID:27532257]). This variant is not within a mapped domain of TNNT2, but is located within a region of compositional bias of acid residues (UniProtKB:P45379). The c.136G>C (p.Ala46Pro) variant identified in the TNNT2 gene is reported as a Variant of Uncertain Significance.

Agnes Ginges Centre for Molecular Cardiology, Centenary Institute
Classification: Uncertain significance for Hypertrophic cardiomyopathy 2. Last evaluated: 2018-04-18. Review status: criteria provided, single submitter. Criteria: ACMG Guidelines, 2015. Collection method: research. Allele origin: germline. Inheritance: Autosomal dominant inheritance. Affected: yes.
Comment: This variant has been identified as part of our research program. Refer to the 'condition' field for the phenotype of the proband(s) identified with this variant. For further information please feel free to contact us.

Laboratory for Molecular Medicine, Mass General Brigham Personalized Medicine
Classification: Uncertain significance. Last evaluated: 2011-02-10. Review status: criteria provided, single submitter. Criteria: LMM Criteria. Collection method: clinical testing. Allele origin: germline. Observed: 1 variant allele.
Comment: The Ala36Pro variant has not been reported in the literature. It should be noted that this lab has only sequenced the TNNT2 in 162 Asian indi viduals and no Asian healthy controls. In addition, healthy control information is unavailable from either public databases or scientific literature, such that the full spectrum of benign variation has not yet been defined for this populati on. Future analysis could reveal that the Ala36Pro variant is common and therefo re unlikely to be pathogenic. In addition, alanine (Ala) at position 36 is locat ed in a less well conserved part of the TNNT2 protein, which may indicate that a change would be tolerated. In summary, the clinical significance of this varia nt cannot be determined without further studies.

Literature cited by the submitters: PubMed 27532257 (cited by 3 submitters); PubMed 33025817 (cited by All of Us Research Program, National Institutes of Health and Labcorp Genetics (formerly Invitae), Labcorp); PubMed 30565988 (cited by Labcorp Genetics (formerly Invitae), Labcorp).